The following is an entry in ClinVar:

ClinVar aggregate classification (germline): Conflicting classifications of pathogenicity. Review status: criteria provided, conflicting classifications (1 of 4 stars). 2 submissions from 2 submitters: Uncertain significance (1); Likely benign (1). Last evaluated 2025-12-23.

Conditions:
Lipoic acid synthetase deficiency. Also called: HYPERGLYCINEMIA, LACTIC ACIDOSIS, AND SEIZURES. Identifiers: Orphanet 401859, MedGen C3280887, MONDO:0013762, OMIM 614462.
Inborn genetic diseases. Identifiers: MedGen C0950123, MeSH D030342.

Allele frequency attached by ClinVar (database versions not stated): gnomAD exomes below 0.00001; ExAC 0.00001; gnomAD 0.00001; TOPMed 0.00002; ESP Exome Variant Server 0.00008.
gnomAD v4.1: 6 of 1,605,982 alleles (0.00037%); highest among the groups gnomAD compares: African/African-American, 0.008%; no homozygotes.

Submissions (2):

Labcorp Genetics (formerly Invitae), Labcorp
Classification: Likely benign for Lipoic acid synthetase deficiency. Last evaluated: 2025-12-23. Review status: criteria provided, single submitter. Criteria: Invitae Variant Classification Sherloc (09022015). Collection method: clinical testing. Allele origin: germline.

Ambry Genetics
Classification: Uncertain significance for Inborn genetic diseases. Last evaluated: 2021-07-08. Review status: criteria provided, single submitter. Criteria: Ambry Variant Classification Scheme 2023. Collection method: clinical testing. Allele origin: germline.
Comment: The c.884-5T>A intronic alteration consists of a T to A substitution 5 nucleotides before coding exon 9 in the LIAS gene. Based on insufficient or conflicting evidence, the clinical significance of this alteration remains unclear.

NM_006859.4(LIAS):c.884-5T>A

Gene: LIAS (lipoic acid synthetase; plus strand). Cytogenetic location: 4p14.
Variant type: single nucleotide variant.
Coding change: c.884-5T>A on transcript NM_006859.4 (MANE Select); 5 bases into the intron before coding-DNA position 884, T replaced by A.
Molecular consequence: intron variant.
Genome position (GRCh38, 1-based): chr4:39,471,231, T>A. VCF-style: chr4-39471231-T-A. GRCh37 (hg19) VCF-style: chr4-39472851-T-A.
Other names: c.884-5T>A (NM_194451.3, NM_006859.2); c.755-5T>A (NM_001278590.2); c.575-5T>A (NM_001363700.2).
Identifiers: ClinVar variation 757893 (VCV000757893.11), dbSNP rs374449188, ClinGen allele CA2894801.